The following is an entry in ClinVar:

NM_004836.7(EIF2AK3):c.1369G>T (p.Asp457Tyr)

Gene: EIF2AK3 (eukaryotic translation initiation factor 2 alpha kinase 3; minus strand). Cytogenetic location: 2p11.2.
Variant type: single nucleotide variant.
Coding change: c.1369G>T on transcript NM_004836.7 (MANE Select); coding-DNA position 1369, G replaced by T.
Protein change: p.Asp457Tyr; replaces aspartic acid 457 with tyrosine.
Molecular consequence: missense variant.
Genome position (GRCh38, 1-based): chr2:88,588,042, C>A on the plus strand (G>T on the coding strand, the complement: EIF2AK3 is on the minus strand). VCF-style: chr2-88588042-C-A. GRCh37 (hg19) VCF-style: chr2-88887560-C-A.
Other names: c.916G>T, p.Asp306Tyr (NM_001313915.2); short protein forms D306Y, D457Y.
Identifiers: ClinVar variation 1035204 (VCV001035204.6), dbSNP rs1329525666, ClinGen allele CA347594864.
Genomic context (GRCh38, chr2:88,588,042, plus strand): 5'-CATATGGATACTGCAAGATTGAAAGTGCACCATTACTATATTCTTCATGAGAAAACTTAT[C>A]ATTACTGAGACATTTGTCAAATTCATCAGATCCTACCAAGACAGGAGTTCTGGAAGGAGA-3'
Protein context (NP_004827.4, residues 447-467): SDEFDKCLSN[Asp457Tyr]KFSHEEYSNG

ClinVar aggregate classification (germline): Uncertain significance (1 of 4 stars; one submission).

gnomAD v4.1: 8 of 1,583,010 alleles (0.00051%); highest among the groups gnomAD compares: Non-Finnish European, 0.00069%; no homozygotes.

Submission:

Labcorp Genetics (formerly Invitae), Labcorp
Classification: Uncertain significance. Last evaluated: 2021-08-31. Review status: criteria provided, single submitter. Criteria: Invitae Variant Classification Sherloc (09022015). Collection method: clinical testing. Allele origin: germline.
Comment: This sequence change replaces aspartic acid with tyrosine at codon 457 of the EIF2AK3 protein (p.Asp457Tyr). The aspartic acid residue is moderately conserved and there is a large physicochemical difference between aspartic acid and tyrosine. This variant is not present in population databases (ExAC no frequency). This variant has not been reported in the literature in individuals affected with EIF2AK3-related conditions. Algorithms developed to predict the effect of missense changes on protein structure and function are either unavailable or do not agree on the potential impact of this missense change (SIFT: "Deleterious"; PolyPhen-2: "Probably Damaging"; Align-GVGD: "Class C0"). In summary, the available evidence is currently insufficient to determine the role of this variant in disease. Therefore, it has been classified as a Variant of Uncertain Significance.